The following is an entry in ClinVar:

NM_004612.4(TGFBR1):c.2T>C (p.Met1Thr)

Genes: TGFBR1 (transforming growth factor beta receptor 1; plus strand), LOC130002223 (ATAC-STARR-seq lymphoblastoid silent region 20124; plus strand). Cytogenetic location: 9q22.33.
Variant type: single nucleotide variant.
Coding change: c.2T>C on transcript NM_004612.4 (MANE Select); coding-DNA position 2, T replaced by C.
Protein change: p.Met1Thr; changes the start codon (methionine 1).
Molecular consequence: missense variant, initiator codon variant. On other transcripts: intron variant (8), 5 prime UTR variant (5), non-coding transcript variant (4).
Genome position (GRCh38, 1-based): chr9:99,105,207, T>C. VCF-style: chr9-99105207-T-C. GRCh37 (hg19) VCF-style: chr9-101867489-T-C.
Other names: c.-111+1101T>C (NM_001407424.1); c.-111+688T>C (NM_001407425.1); c.-111+481T>C (NM_001407434.1); c.-247+82T>C (NM_001407432.1); c.-111+82T>C (NM_001407419.1, NM_001407433.1); c.2T>C, p.Met1Thr (NM_001130916.3, NM_001306210.2, NM_001407416.1 and 5 more transcripts); c.-342T>C (NM_001407420.1, NM_001407429.1); c.-311T>C (NM_001407422.1, NM_001407426.1); and 2 more; short protein forms M1T.
Identifiers: ClinVar variation 2815854 (VCV002815854.3), dbSNP rs2490932259, ClinGen allele CA374223457.

ClinVar aggregate classification (germline): Uncertain significance (1 of 4 stars; one submission).

Conditions:
Familial thoracic aortic aneurysm and aortic dissection (TAAD). Also called: Thoracic aortic aneurysms and dissections. Identifiers: Orphanet 91387, MedGen C4707243, MONDO:0019625.

Allele frequency attached by ClinVar (database versions not stated): gnomAD exomes 0.00001.

Submission:

Labcorp Genetics (formerly Invitae), Labcorp
Classification: Uncertain significance for Familial thoracic aortic aneurysm and aortic dissection. Last evaluated: 2025-07-27. Review status: criteria provided, single submitter. Criteria: Invitae Variant Classification Sherloc (09022015). Collection method: clinical testing. Allele origin: germline.
Comment: This sequence change affects the initiator codon of the TGFBR1 mRNA. This change may impact translation initiation or efficiency. The next in-frame methionine is located at codon 70. The frequency data for this variant in the population databases is considered unreliable, as metrics indicate insufficient coverage at this position in the gnomAD database. This variant has not been reported in the literature in individuals affected with TGFBR1-related conditions. ClinVar contains an entry for this variant (Variation ID: 2815854). Experimental studies and prediction algorithms are not available or were not evaluated, and the functional significance of this variant is currently unknown. In summary, the available evidence is currently insufficient to determine the role of this variant in disease. Therefore, it has been classified as a Variant of Uncertain Significance.